The following is an entry in ClinVar:

NM_014714.4(IFT140):c.325C>T (p.Leu109Phe)

Genes: IFT140 (intraflagellar transport 140; minus strand), LOC105371046 (uncharacterized LOC105371046; plus strand). Cytogenetic location: 16p13.3.
Variant type: single nucleotide variant.
Coding change: c.325C>T on transcript NM_014714.4 (MANE Select); coding-DNA position 325, C replaced by T.
Protein change: p.Leu109Phe; replaces leucine 109 with phenylalanine.
Molecular consequence: missense variant.
Genome position (GRCh38, 1-based): chr16:1,602,414, G>A on the plus strand (C>T on the coding strand, the complement: IFT140 is on the minus strand). VCF-style: chr16-1602414-G-A. GRCh37 (hg19) VCF-style: chr16-1652415-G-A.
Other names: short protein forms L109F.
Identifiers: ClinVar variation 1960759 (VCV001960759.3), dbSNP rs2508564373, ClinGen allele CA394223010.

ClinVar aggregate classification (germline): Uncertain significance (1 of 4 stars; one submission).

Conditions:
Saldino-Mainzer syndrome (SRTD9). Also called: Renal dysplasia, retinal pigmentary dystrophy, cerebellar ataxia and skeletal dysplasia; CONORENAL SYNDROME; short-rib thoracic dysplasia 9 with or without polydactyly; SHORT-RIB THORACIC DYSPLASIA 9 WITHOUT POLYDACTYLY. Identifiers: Orphanet 140969, MedGen C1849437, MONDO:0009964, OMIM 266920.

Submission:

Labcorp Genetics (formerly Invitae), Labcorp
Classification: Uncertain significance for Saldino-Mainzer syndrome. Last evaluated: 2023-08-10. Review status: criteria provided, single submitter. Criteria: Invitae Variant Classification Sherloc (09022015). Collection method: clinical testing. Allele origin: germline.
Comment: This sequence change replaces leucine, which is neutral and non-polar, with phenylalanine, which is neutral and non-polar, at codon 109 of the IFT140 protein (p.Leu109Phe). This variant is not present in population databases (gnomAD no frequency). This variant has not been reported in the literature in individuals affected with IFT140-related conditions. ClinVar contains an entry for this variant (Variation ID: 1960759). Advanced modeling of protein sequence and biophysical properties (such as structural, functional, and spatial information, amino acid conservation, physicochemical variation, residue mobility, and thermodynamic stability) has been performed at Invitae for this missense variant, however the output from this modeling did not meet the statistical confidence thresholds required to predict the impact of this variant on IFT140 protein function. In summary, the available evidence is currently insufficient to determine the role of this variant in disease. Therefore, it has been classified as a Variant of Uncertain Significance.